The following is an entry in ClinVar:

ClinVar aggregate classification (germline): Benign/Likely benign. Review status: criteria provided, multiple submitters, no conflicts (2 of 4 stars). 3 submissions from 3 submitters: Benign (1); Likely benign (2). Last evaluated 2026-03-01.

Conditions:
Luscan-Lumish syndrome. Identifiers: Orphanet 597738, MedGen C4085873, MONDO:0014791, OMIM 616831.

Allele frequency attached by ClinVar (database versions not stated): TOPMed 0.00003; 1000 Genomes Project 0.00040; 1000 Genomes Project 30x 0.00047.
gnomAD v4.1: 58 of 1,613,108 alleles (0.0036%); highest among the groups gnomAD compares: Admixed American, 0.052%; no homozygotes.

Submissions (3):

CeGaT Center for Human Genetics Tuebingen
Classification: Likely benign. Last evaluated: 2026-03-01. Review status: criteria provided, single submitter. Criteria: CeGaT Center For Human Genetics Tuebingen Variant Classification Criteria Version 2. Collection method: clinical testing. Allele origin: germline. Affected: yes. Observed: 1 variant allele.
Comment: SETD2: BP4, BS2

Labcorp Genetics (formerly Invitae), Labcorp
Classification: Benign for Luscan-Lumish syndrome. Last evaluated: 2024-07-08. Review status: criteria provided, single submitter. Criteria: Invitae Variant Classification Sherloc (09022015). Collection method: clinical testing. Allele origin: germline.

Blueprint Genetics
Classification: Likely benign. Last evaluated: 2021-08-12. Review status: criteria provided, single submitter. Criteria: ACMG Guidelines, 2015. Collection method: clinical testing. Allele origin: germline.

NM_014159.7(SETD2):c.7048G>A (p.Ala2350Thr)

Gene: SETD2 (SET domain containing 2, histone lysine methyltransferase; minus strand). Cytogenetic location: 3p21.31.
Variant type: single nucleotide variant.
Coding change: c.7048G>A on transcript NM_014159.7 (MANE Select); coding-DNA position 7048, G replaced by A.
Protein change: p.Ala2350Thr; replaces alanine 2350 with threonine.
Molecular consequence: missense variant. On other transcripts: non-coding transcript variant (1).
Genome position (GRCh38, 1-based): chr3:47,046,537, C>T on the plus strand (G>A on the coding strand, the complement: SETD2 is on the minus strand). VCF-style: chr3-47046537-C-T. GRCh37 (hg19) VCF-style: chr3-47088027-C-T.
Other names: c.6916G>A, p.Ala2306Thr (NM_001349370.3); short protein forms A2306T, A2350T.
Identifiers: ClinVar variation 659482 (VCV000659482.12), dbSNP rs199739297, ClinGen allele CA2362605.